The following is an entry in ClinVar:

NM_001165963.4(SCN1A):c.1217T>C (p.Val406Ala)

Gene: SCN1A (sodium voltage-gated channel alpha subunit 1; minus strand). Cytogenetic location: 2q24.3.
Variant type: single nucleotide variant.
Coding change: c.1217T>C on transcript NM_001165963.4 (MANE Select); coding-DNA position 1217, T replaced by C.
Protein change: p.Val406Ala; replaces valine 406 with alanine.
Molecular consequence: missense variant. On other transcripts: 5 prime UTR variant (1), non-coding transcript variant (1).
Genome position (GRCh38, 1-based): chr2:166,046,930, A>G on the plus strand (T>C on the coding strand, the complement: SCN1A is on the minus strand). VCF-style: chr2-166046930-A-G. GRCh37 (hg19) VCF-style: chr2-166903440-A-G.
Other names: c.1217T>C, p.Val406Ala (NM_001165964.3, NM_001202435.3, NM_001353948.2 and 10 more transcripts); c.-1209T>C (NM_001353961.2); short protein forms V406A.
Identifiers: ClinVar variation 2135605 (VCV002135605.4), dbSNP rs2468182055, ClinGen allele CA349070958.

ClinVar aggregate classification (germline): Pathogenic (1 of 4 stars; one submission).

Conditions:
Early-infantile DEE. Also called: Early infantile epileptic encephalopathy; Ohtahara syndrome; Early infantile epileptic encephalopathy with suppression bursts. Identifiers: Orphanet 1934, MedGen C0393706, MONDO:0800491.

Submission:

Labcorp Genetics (formerly Invitae), Labcorp
Classification: Pathogenic for Early-infantile DEE. Last evaluated: 2024-05-15. Review status: criteria provided, single submitter. Criteria: Invitae Variant Classification Sherloc (09022015). Collection method: clinical testing. Allele origin: germline.
Comment: This sequence change replaces valine, which is neutral and non-polar, with alanine, which is neutral and non-polar, at codon 406 of the SCN1A protein (p.Val406Ala). This variant is not present in population databases (gnomAD no frequency). This missense change has been observed in individual(s) with clinical features of epileptic encephalopathy with cerebellar atrophy (Invitae). In at least one individual the variant was observed to be de novo. ClinVar contains an entry for this variant (Variation ID: 2135605). Advanced modeling of protein sequence and biophysical properties (such as structural, functional, and spatial information, amino acid conservation, physicochemical variation, residue mobility, and thermodynamic stability) performed at Invitae indicates that this missense variant is expected to disrupt SCN1A protein function with a positive predictive value of 95%. This variant disrupts the p.Val406 amino acid residue in SCN1A. Other variant(s) that disrupt this residue have been determined to be pathogenic (PMID: 19589774). This suggests that this residue is clinically significant, and that variants that disrupt this residue are likely to be disease-causing. For these reasons, this variant has been classified as Pathogenic.

Literature cited by the submitters: PubMed 19589774.